The following is an entry in ClinVar:

NM_001852.4(COL9A2):c.1636C>G (p.Arg546Gly)

Gene: COL9A2 (collagen type IX alpha 2 chain; minus strand). Cytogenetic location: 1p34.2.
Variant type: single nucleotide variant.
Coding change: c.1636C>G on transcript NM_001852.4 (MANE Select); coding-DNA position 1636, C replaced by G.
Protein change: p.Arg546Gly; replaces arginine 546 with glycine.
Molecular consequence: missense variant.
Genome position (GRCh38, 1-based): chr1:40,302,777, G>C on the plus strand (C>G on the coding strand, the complement: COL9A2 is on the minus strand). VCF-style: chr1-40302777-G-C. GRCh37 (hg19) VCF-style: chr1-40768449-G-C.
Other names: c.1636C>G (NM_001852.3); short protein forms R546G.
Identifiers: ClinVar variation 1378062 (VCV001378062.8), dbSNP rs772278003, ClinGen allele CA791360.
Genomic context (GRCh38, chr1:40,302,777, plus strand): 5'-ACCCAGGGGGCCCAGGAGGTCCTGGAGGACCCATCATGCCCACCGCACCCAGGGCTTCCC[G>C]CTTGGCACTCACGGCGACCTCTGCCAGTTGCTCTGGAGGGAGGGAGGGAGGGAGGGAGAG-3'
Protein context (NP_001843.1, residues 536-556): QLAEVAVSAK[Arg546Gly]EALGAVGMMG

ClinVar aggregate classification (germline): Uncertain significance. Review status: criteria provided, multiple submitters, no conflicts (2 of 4 stars). 3 submissions from 3 submitters: Uncertain significance (3). Last evaluated 2026-01-24.

Conditions:
COL9A2-related disorder. Also called: COL9A2-related condition.
Inborn genetic diseases. Identifiers: MedGen C0950123, MeSH D030342.

Allele frequency attached by ClinVar (database versions not stated): TOPMed 0.00003.
gnomAD v4.1: 20 of 1,546,362 alleles (0.0013%); highest among the groups gnomAD compares: Non-Finnish European, 0.0017%; no homozygotes.

Submissions (3):

Labcorp Genetics (formerly Invitae), Labcorp
Classification: Uncertain significance. Last evaluated: 2026-01-24. Review status: criteria provided, single submitter. Criteria: Invitae Variant Classification Sherloc (09022015). Collection method: clinical testing. Allele origin: germline.
Comment: This sequence change replaces arginine, which is basic and polar, with glycine, which is neutral and non-polar, at codon 546 of the COL9A2 protein (p.Arg546Gly). This variant is present in population databases (rs772278003, gnomAD 0.005%). This variant has not been reported in the literature in individuals affected with COL9A2-related conditions. ClinVar contains an entry for this variant (Variation ID: 1378062). Invitae Evidence Modeling of protein sequence and biophysical properties (such as structural, functional, and spatial information, amino acid conservation, physicochemical variation, residue mobility, and thermodynamic stability) indicates that this missense variant is not expected to disrupt COL9A2 protein function with a negative predictive value of 95%. In summary, the available evidence is currently insufficient to determine the role of this variant in disease. Therefore, it has been classified as a Variant of Uncertain Significance.

PreventionGenetics, part of Exact Sciences
Classification: Uncertain significance for COL9A2-related condition. Last evaluated: 2023-09-19. Review status: criteria provided, single submitter. Criteria: ACMG Guidelines, 2015. Collection method: clinical testing. Allele origin: germline.
Comment: The COL9A2 c.1636C>G variant is predicted to result in the amino acid substitution p.Arg546Gly. To our knowledge, this variant has not been reported in the literature. This variant is reported in 0.0051% of alleles in individuals of European (Non-Finnish) descent in gnomAD. At this time, the clinical significance of this variant is uncertain due to the absence of conclusive functional and genetic evidence.

Ambry Genetics
Classification: Uncertain significance for Inborn genetic diseases. Last evaluated: 2023-02-10. Review status: criteria provided, single submitter. Criteria: Ambry Variant Classification Scheme 2023. Collection method: clinical testing. Allele origin: germline.